The following is an entry in ClinVar:

ClinVar aggregate classification (germline): Pathogenic/Likely pathogenic. Review status: criteria provided, multiple submitters, no conflicts (2 of 4 stars). 3 submissions from 3 submitters: Pathogenic (2); Likely pathogenic (1). Last evaluated 2023-09-14.

Conditions:
Hereditary cancer-predisposing syndrome. Also called: Hereditary neoplastic syndrome; Hereditary Cancer Syndrome; Neoplastic Syndromes, Hereditary; Tumor predisposition. Identifiers: Orphanet 140162, MedGen C0027672, MeSH D009386, MONDO:0015356.
Familial cancer of breast. Also called: hereditary breast carcinoma; Hereditary breast cancer; BREAST CANCER, FAMILIAL. Identifiers: Orphanet 227535, MedGen C0346153, MONDO:0016419, OMIM 114480. Disease mechanism: loss of function.

Submissions (3):

Myriad Genetics, Inc.
Classification: Pathogenic for Familial cancer of breast. Last evaluated: 2023-09-14. Review status: criteria provided, single submitter. Criteria: Myriad Autosomal Dominant, Autosomal Recessive and X-Linked Classification Criteria (2023). Collection method: clinical testing. Allele origin: unknown.
Comment: This variant is considered pathogenic. This variant creates a frameshift predicted to result in premature protein truncation.

Ambry Genetics
Classification: Pathogenic for Hereditary cancer-predisposing syndrome. Last evaluated: 2023-04-18. Review status: criteria provided, single submitter. Criteria: Ambry Variant Classification Scheme 2023. Collection method: clinical testing. Allele origin: germline.
Comment: The c.3074dupC pathogenic mutation, located in coding exon 10 of the PALB2 gene, results from a duplication of C at nucleotide position 3074, causing a translational frameshift with a predicted alternate stop codon (p.L1026Sfs*27). This variant is considered to be rare based on population cohorts in the Genome Aggregation Database (gnomAD). This alteration is expected to result in loss of function by premature protein truncation or nonsense-mediated mRNA decay. As such, this alteration is interpreted as a disease-causing mutation.

Baylor Genetics
Classification: Likely pathogenic for Familial cancer of breast. Last evaluated: 2022-01-18. Review status: criteria provided, single submitter. Criteria: ACMG Guidelines, 2015. Collection method: clinical testing. Allele origin: unknown.

NM_024675.4(PALB2):c.3074dup (p.Leu1026fs)

Gene: PALB2 (partner and localizer of BRCA2; minus strand). Cytogenetic location: 16p12.2.
Variant type: Duplication.
Coding change: c.3074dup on transcript NM_024675.4 (MANE Select); coding-DNA position 3074, one base duplicated (C; older notation c.3074dupC).
Protein change: p.Leu1026fs; shifts the reading frame from leucine 1026.
Molecular consequence: frameshift variant. On other transcripts: intron variant (1).
Genome position (GRCh38, 1-based): chr16:23,621,401, G duplicated on the plus strand (C on the coding strand, the reverse complement: PALB2 is on the minus strand). VCF-style (leftmost placement, unchanged base first): chr16-23621400-A-AG. GRCh37 (hg19) VCF-style: chr16-23632721-A-AG.
Other names: c.2912dup, p.Leu972fs (NM_001407298.1, NM_001407302.1); c.3074dup, p.Leu1026fs (NM_001407299.1, NM_001407301.1); c.2189dup, p.Leu731fs (NM_001407304.1, NM_001407305.1, NM_001407306.1 and 4 more transcripts); c.3014dup, p.Leu1006fs (NM_001407296.1); c.3002dup, p.Leu1002fs (NM_001407297.1); c.2027dup, p.Leu677fs (NM_001407307.1); c.1286dup, p.Leu430fs (NM_001407312.1, NM_001407313.1); c.608dup, p.Leu204fs (NM_001407314.1); and 2 more; short protein forms L204fs, L677fs, L1002fs, L1026fs, L731fs, L1006fs, L430fs, L972fs.
Identifiers: ClinVar variation 2567573 (VCV002567573.4), dbSNP rs2506318271, ClinGen allele CA2580613444.
Genomic context (GRCh38, chr16:23,621,400, plus strand): 5'-AGGACCTAGAGGGAAAGCTTACCAAATAACAATGTTGTTCATAATAGTAGTACCAAGCAG[A>AG]GCTTCTTGCATCCCTTGGACCTCAGCAAAAGTTAGTATAGTCTCCTCAGGGGGCATCAAA-3'